The following is an entry in ClinVar:

ClinVar aggregate classification (germline): Uncertain significance (1 of 4 stars; one submission).

Submission:

Labcorp Genetics (formerly Invitae), Labcorp
Classification: Uncertain significance. Last evaluated: 2025-12-15. Review status: criteria provided, single submitter. Criteria: Invitae Variant Classification Sherloc (09022015). Collection method: clinical testing. Allele origin: germline.
Comment: This variant, c.255_257del, results in the deletion of 1 amino acid(s) of the ARIH1 protein (p.Gly90del), but otherwise preserves the integrity of the reading frame. The frequency data for this variant in the population databases is considered unreliable, as metrics indicate poor data quality at this position in the gnomAD database. This variant has not been reported in the literature in individuals affected with ARIH1-related conditions. Experimental studies and prediction algorithms are not available or were not evaluated, and the functional significance of this variant is currently unknown. In summary, the available evidence is currently insufficient to determine the role of this variant in disease. Therefore, it has been classified as a Variant of Uncertain Significance.

NM_005744.5(ARIH1):c.237CGG[6] (p.Gly90del)

Gene: ARIH1 (ariadne RBR E3 ubiquitin protein ligase 1; plus strand). Cytogenetic location: 15q24.1.
Variant type: Microsatellite.
Coding change: c.237CGG[6] on transcript NM_005744.5 (MANE Select); six copies in a row of the 3-base unit CGG starting at c.237; the reference has seven copies in a row; one copy, 3 bases deleted.
Protein change: p.Gly90del; deletes glycine 90.
Molecular consequence: inframe deletion.
Genome position (GRCh38, 1-based): chr15:72,474,894-72,474,896, CGG deleted; deleting any 3 consecutive bases within chr15:72,474,874-72,474,896 gives the same sequence; the position shown is the placement nearest the transcript's 3' end. VCF-style (leftmost placement, unchanged base first): chr15-72474873-TGGC-T. GRCh37 (hg19) VCF-style: chr15-72767214-TGGC-T.
Other names: short protein forms G90del.
Identifiers: ClinVar variation 2040876 (VCV002040876.4), dbSNP rs375614248, ClinGen allele CA7645448.